The following is an entry in ClinVar:

ClinVar aggregate classification (germline): Uncertain significance. Review status: criteria provided, multiple submitters, no conflicts (2 of 4 stars). 2 submissions from 2 submitters: Uncertain significance (2). Last evaluated 2025-07-02.

Conditions:
ADAMTS2-related disorder. Also called: ADAMTS2-related condition.
Ehlers-Danlos syndrome, dermatosparaxis type. Also called: Dermatosparaxis; Ehlers-Danlos syndrome, type VII, autosomal recessive; EDS VIIC. Identifiers: Orphanet 1901, MedGen C2700425, MONDO:0009161, OMIM 225410.

Allele frequency attached by ClinVar (database versions not stated): gnomAD exomes 0.00001 and 0.00004; ExAC 0.00003; gnomAD 0.00003; TOPMed 0.00003.
gnomAD v4.1: 19 of 1,612,062 alleles (0.0012%); highest among the groups gnomAD compares: South Asian, 0.0088%; no homozygotes.

Submissions (2):

PreventionGenetics, part of Exact Sciences
Classification: Uncertain significance for ADAMTS2-related condition. Last evaluated: 2025-07-02. Review status: criteria provided, single submitter. Criteria: ACMG Guidelines, 2015. Collection method: clinical testing. Allele origin: germline.
Comment: The ADAMTS2 c.3326C>T variant is predicted to result in the amino acid substitution p.Pro1109Leu. To our knowledge, this variant has not been reported in the literature. This variant is reported in 0.018% of alleles in individuals of African descent in gnomAD. At this time, the clinical significance of this variant is uncertain due to the absence of conclusive functional and genetic evidence.

Labcorp Genetics (formerly Invitae), Labcorp
Classification: Uncertain significance for Ehlers-Danlos syndrome, dermatosparaxis type. Last evaluated: 2021-09-17. Review status: criteria provided, single submitter. Criteria: Invitae Variant Classification Sherloc (09022015). Collection method: clinical testing. Allele origin: germline.
Comment: This sequence change replaces proline with leucine at codon 1109 of the ADAMTS2 protein (p.Pro1109Leu). The proline residue is highly conserved and there is a moderate physicochemical difference between proline and leucine. This variant is present in population databases (rs777170469, ExAC 0.03%). This variant has not been reported in the literature in individuals with ADAMTS2-related disease. Algorithms developed to predict the effect of missense changes on protein structure and function output the following: SIFT: "Deleterious"; PolyPhen-2: "Benign"; Align-GVGD: "Class C15". The leucine amino acid residue is found in multiple mammalian species, suggesting that this missense change does not adversely affect protein function. These predictions have not been confirmed by published functional studies and their clinical significance is uncertain. In summary, the available evidence is currently insufficient to determine the role of this variant in disease. Therefore, it has been classified as a Variant of Uncertain Significance.

NM_014244.5(ADAMTS2):c.3326C>T (p.Pro1109Leu)

Gene: ADAMTS2 (ADAM metallopeptidase with thrombospondin type 1 motif 2; minus strand). Cytogenetic location: 5q35.3.
Variant type: single nucleotide variant.
Coding change: c.3326C>T on transcript NM_014244.5 (MANE Select); coding-DNA position 3326, C replaced by T.
Protein change: p.Pro1109Leu; replaces proline 1109 with leucine.
Molecular consequence: missense variant.
Genome position (GRCh38, 1-based): chr5:179,114,177, G>A on the plus strand (C>T on the coding strand, the complement: ADAMTS2 is on the minus strand). VCF-style: chr5-179114177-G-A. GRCh37 (hg19) VCF-style: chr5-178541178-G-A.
Other names: c.3326C>T (NM_014244.4); short protein forms P1109L.
Identifiers: ClinVar variation 1389362 (VCV001389362.6), dbSNP rs777170469, ClinGen allele CA3595256.
Genomic context (GRCh38, chr5:179,114,177, plus strand): 5'-GCTACAGTGGGCACTGGGAGGGTAGGCATGAACACGTCAATGTCGTTGTGCTTCCCAGGC[G>A]GTGGCTCTATCCTGCCCTCCACGTTGGTGAGGTTGTTGTACAGGTTACAGGACTTGCAGC-3'
Protein context (NP_055059.2, residues 1099-1119): LTNVEGRIEP[Pro1109Leu]PGKHNDIDVF